The following is an entry in ClinVar:

NM_001110556.2(FLNA):c.76G>A (p.Ala26Thr)

Gene: FLNA (filamin A; minus strand). Cytogenetic location: Xq28.
Variant type: single nucleotide variant.
Coding change: c.76G>A on transcript NM_001110556.2 (MANE Select); coding-DNA position 76, G replaced by A.
Protein change: p.Ala26Thr; replaces alanine 26 with threonine.
Molecular consequence: missense variant.
Genome position (GRCh38, 1-based): chrX:154,371,170, C>T on the plus strand (G>A on the coding strand, the complement: FLNA is on the minus strand). VCF-style: chrX-154371170-C-T. GRCh37 (hg19) VCF-style: chrX-153599538-C-T.
Other names: c.76G>A, p.Ala26Thr (NM_001456.4); short protein forms A26T.
Identifiers: ClinVar variation 519883 (VCV000519883.15), dbSNP rs886038966, ClinGen allele CA415255676.

ClinVar aggregate classification (germline): Uncertain significance. Review status: criteria provided, multiple submitters, no conflicts (2 of 4 stars). 2 submissions from 2 submitters: Uncertain significance (2). Last evaluated 2023-10-12.

Conditions:
Melnick-Needles syndrome (MNS). Also called: MELNICK-NEEDLES OSTEODYSPLASTY; Melnick-Needles Syndrome (FLNA-MNS); OSTEODYSPLASTY OF MELNICK AND NEEDLES. Identifiers: Orphanet 2484, MedGen C0025237, MONDO:0010650, OMIM 309350.
Frontometaphyseal dysplasia (FMD1). Identifiers: Orphanet 1826, MedGen C0265293, MONDO:0015942.
Heterotopia, periventricular, X-linked dominant (PVNH1). Also called: PERIVENTRICULAR NODULAR HETEROTOPIA 4; HETEROTOPIA, PERIVENTRICULAR, 1; PERIVENTRICULAR NODULAR HETEROTOPIA 1; X-linked periventricular heterotopia. Identifiers: Orphanet 2149, Orphanet 82004, MedGen C1848213, MONDO:0010233, OMIM 300049.
Oto-palato-digital syndrome, type II (OPD2). Also called: Otopalatodigital Syndrome Type 2 (FLNA-OPD2); FACIOPALATOOSSEOUS SYNDROME; OPD II SYNDROME; Otopalatodigital Syndrome, Type II. Identifiers: Orphanet 669, Orphanet 90652, MedGen C1844696, MONDO:0010571, OMIM 304120.
Familial thoracic aortic aneurysm and aortic dissection (TAAD). Also called: Thoracic aortic aneurysms and dissections. Identifiers: Orphanet 91387, MedGen C4707243, MONDO:0019625.

Submissions (2):

Ambry Genetics
Classification: Uncertain significance for Familial thoracic aortic aneurysm and aortic dissection. Last evaluated: 2023-10-12. Review status: criteria provided, single submitter. Criteria: Ambry Variant Classification Scheme 2023. Collection method: clinical testing. Allele origin: germline.
Comment: The p.A26T variant (also known as c.76G>A), located in coding exon 1 of the FLNA gene, results from a G to A substitution at nucleotide position 76. The alanine at codon 26 is replaced by threonine, an amino acid with similar properties. This amino acid position is well conserved in available vertebrate species. In addition, this alteration is predicted to be tolerated by in silico analysis. Since supporting evidence is limited at this time, the clinical significance of this alteration remains unclear.

Labcorp Genetics (formerly Invitae), Labcorp
Classification: Uncertain significance for Oto-palato-digital syndrome, type II; Heterotopia, periventricular, X-linked dominant; Frontometaphyseal dysplasia; Melnick-Needles syndrome. Last evaluated: 2019-05-19. Review status: criteria provided, single submitter. Criteria: Invitae Variant Classification Sherloc (09022015). Collection method: clinical testing. Allele origin: germline.
Comment: Algorithms developed to predict the effect of missense changes on protein structure and function are either unavailable or do not agree on the potential impact of this missense change (SIFT: "Deleterious"; PolyPhen-2: "Benign"; Align-GVGD: "Class C0"). In summary, the available evidence is currently insufficient to determine the role of this variant in disease. Therefore, it has been classified as a Variant of Uncertain Significance. This variant has not been reported in the literature in individuals with FLNA-related conditions. ClinVar contains an entry for this variant (Variation ID: 519883). This sequence change replaces alanine with threonine at codon 26 of the FLNA protein (p.Ala26Thr). The alanine residue is highly conserved and there is a small physicochemical difference between alanine and threonine. This variant is not present in population databases (ExAC no frequency).